The following is an entry in ClinVar:

ClinVar aggregate classification (germline): Uncertain significance (1 of 4 stars; one submission).

Submission:

CeGaT Center for Human Genetics Tuebingen
Classification: Uncertain significance. Last evaluated: 2026-01-01. Review status: criteria provided, single submitter. Criteria: CeGaT Center For Human Genetics Tuebingen Variant Classification Criteria Version 2. Collection method: clinical testing. Allele origin: germline. Affected: yes. Observed: 1 variant allele.
Comment: CLIC5: PM2

NC_000006.12:g.45881194del

Genes: CLIC5 (CLIC family member 5; minus strand), LOC110121112 (VISTA enhancer hs1461; plus strand). Cytogenetic location: 6p21.1.
Variant type: Deletion.
Genome position: GRCh38 VCF-style: chr6-45881191-GA-G. GRCh37 (hg19) VCF-style: chr6-45848928-GA-G.
Identifiers: ClinVar variation 4823086 (VCV004823086.4).